The following is an entry in ClinVar:

NM_004415.4(DSP):c.1938C>A (p.Cys646Ter)

Gene: DSP (desmoplakin; plus strand). Cytogenetic location: 6p24.3.
Variant type: single nucleotide variant.
Coding change: c.1938C>A on transcript NM_004415.4 (MANE Select); coding-DNA position 1938, C replaced by A.
Protein change: p.Cys646Ter; replaces cysteine 646 with a stop codon.
Molecular consequence: nonsense.
Genome position (GRCh38, 1-based): chr6:7,571,876, C>A. VCF-style: chr6-7571876-C-A. GRCh37 (hg19) VCF-style: chr6-7572109-C-A.
Other names: c.1938C>A, p.Cys646Ter (NM_001008844.3, NM_001319034.2); short protein forms C646*.
Identifiers: ClinVar variation 1782994 (VCV001782994.2), dbSNP rs1759064440, ClinGen allele CA362680106.

ClinVar aggregate classification (germline): Pathogenic (1 of 4 stars; one submission).

Conditions:
Cardiovascular phenotype. Identifiers: MedGen CN230736.

Submission:

Ambry Genetics
Classification: Pathogenic for Cardiovascular phenotype. Last evaluated: 2019-12-16. Review status: criteria provided, single submitter. Criteria: Ambry Variant Classification Scheme 2023. Collection method: clinical testing. Allele origin: germline.
Comment: The p.C646* pathogenic mutation (also known as c.1938C>A), located in coding exon 15 of the DSP gene, results from a C to A substitution at nucleotide position 1938. This changes the amino acid from a cysteine to a stop codon within coding exon 15. Alterations in DSP that result in haploinsufficiency or protein truncation have been reported in patients with arrhythmogenic right ventricular cardiomyopathy (ARVC) and dilated cardiomyopathy (DCM) (Fressart V et al. Europace. 2010;12(6):861-8; Elliott P et al. Circ Cardiovasc Genet. 2010;3(4):314-22; Quarta G et al. Circulation. 2011;123(23):2701-9; Garcia-Pavia P et al. Heart. 2011;97(21):1744-52; Rasmussen TB et al. Clin Genet. 2013;84(1):20-30; Pugh TJ et al. Genet Med. 2014;16(8):601-8). This alteration is expected to result in loss of function by premature protein truncation or nonsense-mediated mRNA decay. As such, this alteration is interpreted as a disease-causing mutation.